The following is an entry in ClinVar:

ClinVar aggregate classification (germline): Likely pathogenic (1 of 4 stars; one submission).

Allele frequency attached by ClinVar (database versions not stated): gnomAD exomes 0.00001 and 0.00002; gnomAD 0.00001; TOPMed 0.00001.
gnomAD v4.1: 23 of 1,549,218 alleles (0.0015%); highest among the groups gnomAD compares: Non-Finnish European, 0.002%; no homozygotes.

Submission:

Labcorp Genetics (formerly Invitae), Labcorp
Classification: Likely pathogenic. Last evaluated: 2025-09-02. Review status: criteria provided, single submitter. Criteria: Invitae Variant Classification Sherloc (09022015). Collection method: clinical testing. Allele origin: germline.
Comment: This sequence change affects an acceptor splice site in intron 37 of the UNC80 gene. It is expected to disrupt RNA splicing. Variants that disrupt the donor or acceptor splice site typically lead to a loss of protein function (PMID: 16199547), and loss-of-function variants in UNC80 are known to be pathogenic (PMID: 26545877, 26708751, 26708753). This variant is present in population databases (rs755756538, gnomAD 0.002%). This variant has not been reported in the literature in individuals affected with UNC80-related conditions. ClinVar contains an entry for this variant (Variation ID: 1496007). Algorithms developed to predict the effect of sequence changes on RNA splicing suggest that this variant may disrupt the consensus splice site. In summary, the currently available evidence indicates that the variant is pathogenic, but additional data are needed to prove that conclusively. Therefore, this variant has been classified as Likely Pathogenic.

Literature cited by the submitters: PubMed 16199547; PubMed 26545877; PubMed 26708751; PubMed 26708753.

NM_001371986.1(UNC80):c.5995-2A>G

Gene: UNC80 (unc-80 subunit of NALCN channel complex; plus strand). Cytogenetic location: 2q34.
Variant type: single nucleotide variant.
Coding change: c.5995-2A>G on transcript NM_001371986.1 (MANE Select); the canonical splice acceptor site of the intron before coding-DNA position 5995, A replaced by G.
Molecular consequence: splice acceptor variant.
Genome position (GRCh38, 1-based): chr2:209,933,820, A>G. VCF-style: chr2-209933820-A-G. GRCh37 (hg19) VCF-style: chr2-210798544-A-G.
Other names: c.5797-2A>G (NM_032504.2); c.5782-2A>G (NM_182587.4).
Identifiers: ClinVar variation 1496007 (VCV001496007.6), dbSNP rs755756538, ClinGen allele CA65041833.